The following is an entry in ClinVar:

NM_025137.4(SPG11):c.3032G>A (p.Cys1011Tyr)

Gene: SPG11 (SPG11 vesicle trafficking associated, spatacsin; minus strand). Cytogenetic location: 15q21.1.
Variant type: single nucleotide variant.
Coding change: c.3032G>A on transcript NM_025137.4 (MANE Select); coding-DNA position 3032, G replaced by A.
Protein change: p.Cys1011Tyr; replaces cysteine 1011 with tyrosine.
Molecular consequence: missense variant.
Genome position (GRCh38, 1-based): chr15:44,615,369, C>T on the plus strand (G>A on the coding strand, the complement: SPG11 is on the minus strand). VCF-style: chr15-44615369-C-T. GRCh37 (hg19) VCF-style: chr15-44907567-C-T.
Other names: c.3032G>A, p.Cys1011Tyr (NM_001160227.2, NM_001411132.1); short protein forms C1011Y.
Identifiers: ClinVar variation 1910446 (VCV001910446.5), dbSNP rs2505512213, ClinGen allele CA392229031.

ClinVar aggregate classification (germline): Uncertain significance (1 of 4 stars; one submission).

Conditions:
Hereditary spastic paraplegia 11. Also called: SPASTIC PARAPLEGIA, AUTOSOMAL RECESSIVE, COMPLICATED, WITH THIN CORPUS CALLOSUM; SPASTIC PARAPLEGIA, AUTOSOMAL RECESSIVE, WITH MENTAL IMPAIRMENT AND THIN CORPUS CALLOSUM; Spastic paraplegia, mental retardation and thin corpus callosum; Spastic Paraplegia 11; Nakamura Osame syndrome; Autosomal recessive hereditary spastic paraplegia, mental impairment, and thin corpus callosum. Identifiers: Orphanet 2822, MedGen C1858479, MONDO:0011445, OMIM 604360.

Allele frequency attached by ClinVar (database versions not stated): gnomAD exomes below 0.00001.
gnomAD v4.1: 1 of 1,613,536 alleles (0.000062%); highest among the groups gnomAD compares: Non-Finnish European, 0.000085%; no homozygotes.

Submission:

Labcorp Genetics (formerly Invitae), Labcorp
Classification: Uncertain significance for Hereditary spastic paraplegia 11. Last evaluated: 2022-07-13. Review status: criteria provided, single submitter. Criteria: Invitae Variant Classification Sherloc (09022015). Collection method: clinical testing. Allele origin: germline.
Comment: Algorithms developed to predict the effect of missense changes on protein structure and function output the following: SIFT: "Tolerated"; PolyPhen-2: "Benign"; Align-GVGD: "Class C0". The tyrosine amino acid residue is found in multiple mammalian species, which suggests that this missense change does not adversely affect protein function. In summary, the available evidence is currently insufficient to determine the role of this variant in disease. Therefore, it has been classified as a Variant of Uncertain Significance. This variant has not been reported in the literature in individuals affected with SPG11-related conditions. This variant is not present in population databases (gnomAD no frequency). This sequence change replaces cysteine, which is neutral and slightly polar, with tyrosine, which is neutral and polar, at codon 1011 of the SPG11 protein (p.Cys1011Tyr).